The following is an entry in ClinVar:

NM_001077350.3(NPRL3):c.1291A>G (p.Thr431Ala)

Genes: HBA-LCR (alpha-globin locus control region; plus strand), NPRL3 (NPR3 like, GATOR1 complex subunit; minus strand). Cytogenetic location: 16p13.3.
Variant type: single nucleotide variant.
Coding change: c.1291A>G on transcript NM_001077350.3 (MANE Select); coding-DNA position 1291, A replaced by G.
Protein change: p.Thr431Ala; replaces threonine 431 with alanine.
Molecular consequence: missense variant.
Genome position (GRCh38, 1-based): chr16:89,773, T>C on the plus strand (A>G on the coding strand, the complement: NPRL3 is on the minus strand). VCF-style: chr16-89773-T-C. GRCh37 (hg19) VCF-style: chr16-139771-T-C.
Other names: c.754A>G, p.Thr252Ala (NM_001039476.3); c.1057A>G, p.Thr353Ala (NM_001243247.2); c.1216A>G, p.Thr406Ala (NM_001243248.2, NM_001243249.2); short protein forms T252A, T431A, T406A, T353A.
Identifiers: ClinVar variation 4740253 (VCV004740253.1).

ClinVar aggregate classification (germline): Uncertain significance (1 of 4 stars; one submission).

Conditions:
Epilepsy, familial focal, with variable foci 3 (FFEVF3). Identifiers: MedGen C4310708, MONDO:0014925, OMIM 617118.

gnomAD v4.1: 2 of 1,600,348 alleles (0.00012%); highest among the groups gnomAD compares: East Asian, 0.0046%; no homozygotes.

Submission:

Labcorp Genetics (formerly Invitae), Labcorp
Classification: Uncertain significance for Epilepsy, familial focal, with variable foci 3. Last evaluated: 2025-10-13. Review status: criteria provided, single submitter. Criteria: Invitae Variant Classification Sherloc (09022015). Collection method: clinical testing. Allele origin: germline.
Comment: This sequence change replaces threonine, which is neutral and polar, with alanine, which is neutral and non-polar, at codon 431 of the NPRL3 protein (p.Thr431Ala). This variant is not present in population databases (gnomAD no frequency). This variant has not been reported in the literature in individuals affected with NPRL3-related conditions. Invitae Evidence Modeling of protein sequence and biophysical properties (such as structural, functional, and spatial information, amino acid conservation, physicochemical variation, residue mobility, and thermodynamic stability) indicates that this missense variant is not expected to disrupt NPRL3 protein function with a negative predictive value of 80%. In summary, the available evidence is currently insufficient to determine the role of this variant in disease. Therefore, it has been classified as a Variant of Uncertain Significance.